The following is an entry in ClinVar:

NM_001042492.3(NF1):c.4535G>A (p.Trp1512Ter)

Gene: NF1 (neurofibromin 1; plus strand). Cytogenetic location: 17q11.2.
Variant type: single nucleotide variant.
Coding change: c.4535G>A on transcript NM_001042492.3 (MANE Select); coding-DNA position 4535, G replaced by A.
Protein change: p.Trp1512Ter; replaces tryptophan 1512 with a stop codon.
Molecular consequence: nonsense.
Genome position (GRCh38, 1-based): chr17:31,260,473, G>A. VCF-style: chr17-31260473-G-A. GRCh37 (hg19) VCF-style: chr17-29587491-G-A.
Other names: c.4472G>A, p.Trp1491Ter (NM_000267.4); short protein forms W1491*, W1512*.
Identifiers: ClinVar variation 996438 (VCV000996438.11), dbSNP rs1267947462, ClinGen allele CA398999734.
Genomic context (GRCh38, chr17:31,260,473, plus strand): 5'-TAAATCATAGTCTTTCCTTCATAAGTGACGGCAATGTGCTTGCTTTACATCGTCTACTCT[G>A]GAACAATCAGGAGAAAATTGGGCAGTATCTTTCCAGCAACAGGTAAGATTTCCCAGTCAT-3'

ClinVar aggregate classification (germline): Pathogenic. Review status: criteria provided, multiple submitters, no conflicts (2 of 4 stars). 5 submissions from 5 submitters: Pathogenic (5). Last evaluated 2024-11-12.

Conditions:
NF1-related disorder. Also called: NF1-related condition. Identifiers: MedGen CN379171.
Neurofibromatosis, type 1 (NF1). Also called: Neurofibromatosis, type I; Peripheral type neurofibromatosis; VON RECKLINGHAUSEN DISEASE; NEUROFIBROMATOSIS, TYPE I, SOMATIC. Identifiers: Orphanet 636, MedGen C0027831, MONDO:0018975, OMIM 162200. Disease mechanism: loss of function.

Allele frequency attached by ClinVar (database versions not stated): gnomAD exomes below 0.00001; TOPMed below 0.00001.
gnomAD v4.1: 1 of 1,613,930 alleles (0.000062%); highest among the groups gnomAD compares: Non-Finnish European, 0.000085%; no homozygotes.

Submissions (5):

GeneDx
Classification: Pathogenic. Last evaluated: 2024-11-12. Review status: criteria provided, single submitter. Criteria: GeneDx Variant Classification Process June 2021. Collection method: clinical testing. Allele origin: germline. Affected: yes.
Comment: Nonsense variant predicted to result in protein truncation or nonsense mediated decay in a gene for which loss-of-function is a known mechanism of disease; Not observed at significant frequency in large population cohorts (gnomAD); Also known as c.4535G>A p.W1512X; This variant is associated with the following publications: (PMID: 10712197, 30308447)

Labcorp Genetics (formerly Invitae), Labcorp
Classification: Pathogenic for Neurofibromatosis, type 1. Last evaluated: 2023-07-08. Review status: criteria provided, single submitter. Criteria: Invitae Variant Classification Sherloc (09022015). Collection method: clinical testing. Allele origin: germline.
Comment: This sequence change creates a premature translational stop signal (p.Trp1491*) in the NF1 gene. It is expected to result in an absent or disrupted protein product. Loss-of-function variants in NF1 are known to be pathogenic (PMID: 10712197, 23913538). This variant is not present in population databases (gnomAD no frequency). This premature translational stop signal has been observed in individual(s) with neurofibromatosis type 1 (PMID: 30308447). This variant is also known as c.4535G>A (p.Trp1512*). ClinVar contains an entry for this variant (Variation ID: 996438). For these reasons, this variant has been classified as Pathogenic.

Genome-Nilou Lab
Classification: Pathogenic for Neurofibromatosis, type 1. Last evaluated: 2022-03-15. Review status: criteria provided, single submitter. Criteria: ACMG Guidelines, 2015. Collection method: clinical testing. Allele origin: germline. Affected: no.

Blueprint Genetics
Classification: Pathogenic for NF1-related disorders. Last evaluated: 2021-07-22. Review status: criteria provided, single submitter. Criteria: ACMG Guidelines, 2015. Collection method: clinical testing. Allele origin: germline. Affected: yes. Observed: 1 variant allele.

Genome Diagnostics Laboratory, The Hospital for Sick Children
Classification: Pathogenic for Neurofibromatosis, type 1. Last evaluated: 2020-10-26. Review status: criteria provided, single submitter. Criteria: ACMG Guidelines, 2015. Collection method: clinical testing. Allele origin: germline. Affected: yes.

Literature cited by the submitters: PubMed 10712197 (cited by Labcorp Genetics (formerly Invitae), Labcorp); PubMed 23913538 (cited by Labcorp Genetics (formerly Invitae), Labcorp); PubMed 30308447 (cited by Labcorp Genetics (formerly Invitae), Labcorp).